The following is an entry in ClinVar:

ClinVar aggregate classification (germline): Uncertain significance. Review status: criteria provided, multiple submitters, no conflicts (2 of 4 stars). 2 submissions from 2 submitters: Uncertain significance (2). Last evaluated 2025-12-11.

Allele frequency attached by ClinVar (database versions not stated): gnomAD exomes 0.00001 and 0.00002; TOPMed 0.00001; ExAC 0.00001; gnomAD 0.00001.
gnomAD v4.1: 13 of 1,614,018 alleles (0.00081%); highest among the groups gnomAD compares: Non-Finnish European, 0.001%; no homozygotes.

Submissions (2):

Ambry Genetics
Classification: Uncertain significance. Last evaluated: 2025-12-11. Review status: criteria provided, single submitter. Criteria: Ambry Variant Classification Scheme 2023. Collection method: clinical testing. Allele origin: germline.

Labcorp Genetics (formerly Invitae), Labcorp
Classification: Uncertain significance. Last evaluated: 2021-08-22. Review status: criteria provided, single submitter. Criteria: Invitae Variant Classification Sherloc (09022015). Collection method: clinical testing. Allele origin: germline.
Comment: This sequence change replaces proline with serine at codon 480 of the AHR protein (p.Pro480Ser). The proline residue is moderately conserved and there is a moderate physicochemical difference between proline and serine. This variant is present in population databases (rs760621138, ExAC 0.001%). This variant has not been reported in the literature in individuals affected with AHR-related conditions. Algorithms developed to predict the effect of missense changes on protein structure and function output the following: SIFT: "Tolerated"; PolyPhen-2: "Benign"; Align-GVGD: "Class C0". The serine amino acid residue is found in multiple mammalian species, which suggests that this missense change does not adversely affect protein function. In summary, the available evidence is currently insufficient to determine the role of this variant in disease. Therefore, it has been classified as a Variant of Uncertain Significance.

NM_001621.5(AHR):c.1438C>T (p.Pro480Ser)

Gene: AHR (aryl hydrocarbon receptor; plus strand). Cytogenetic location: 7p21.1.
Variant type: single nucleotide variant.
Coding change: c.1438C>T on transcript NM_001621.5 (MANE Select); coding-DNA position 1438, C replaced by T.
Protein change: p.Pro480Ser; replaces proline 480 with serine.
Molecular consequence: missense variant.
Genome position (GRCh38, 1-based): chr7:17,339,263, C>T. VCF-style: chr7-17339263-C-T. GRCh37 (hg19) VCF-style: chr7-17378887-C-T.
Other names: c.1438C>T (NM_001621.4); short protein forms P480S.
Identifiers: ClinVar variation 1499697 (VCV001499697.4), dbSNP rs760621138, ClinGen allele CA4172111.